The following is an entry in ClinVar:

NM_177438.3(DICER1):c.2209C>T (p.Pro737Ser)

Gene: DICER1 (dicer 1, ribonuclease III; minus strand). Cytogenetic location: 14q32.13.
Variant type: single nucleotide variant.
Coding change: c.2209C>T on transcript NM_177438.3 (MANE Select); coding-DNA position 2209, C replaced by T.
Protein change: p.Pro737Ser; replaces proline 737 with serine.
Molecular consequence: missense variant.
Genome position (GRCh38, 1-based): chr14:95,111,364, G>A on the plus strand (C>T on the coding strand, the complement: DICER1 is on the minus strand). VCF-style: chr14-95111364-G-A. GRCh37 (hg19) VCF-style: chr14-95577701-G-A.
Other names: c.2209C>T, p.Pro737Ser (NM_001195573.1, NM_001271282.3, NM_001291628.2 and 1 more transcripts); short protein forms P737S.
Identifiers: ClinVar variation 568930 (VCV000568930.17), dbSNP rs778284198, ClinGen allele CA7331290.

ClinVar aggregate classification (germline): Uncertain significance. Review status: criteria provided, multiple submitters, no conflicts (2 of 4 stars). 4 submissions from 4 submitters: Uncertain significance (4). Last evaluated 2026-01-11.

Conditions:
Global developmental delay - lung cysts - overgrowth - Wilms tumor syndrome. Also called: GLOBAL DEVELOPMENTAL DELAY, LUNG CYSTS, OVERGROWTH, AND WILMS TUMOR; GLOW Syndrome. Identifiers: Orphanet 404476, MedGen C4748924, MONDO:0018445, OMIM 618272.
DICER1-related tumor predisposition. Also called: DICER1 syndrome; DICER1-related pleuropulmonary blastoma cancer predisposition syndrome. Identifiers: Orphanet 284343, MedGen C3839822, MONDO:0100216.
Hereditary cancer-predisposing syndrome. Also called: Hereditary neoplastic syndrome; Neoplastic Syndromes, Hereditary; Hereditary Cancer Syndrome; Tumor predisposition. Identifiers: Orphanet 140162, MedGen C0027672, MeSH D009386, MONDO:0015356.

Allele frequency attached by ClinVar (database versions not stated): TOPMed below 0.00001.
gnomAD v4.1: 2 of 1,614,132 alleles (0.00012%); highest among the groups gnomAD compares: Non-Finnish European, 0.00017%; no homozygotes.

Submissions (4):

Labcorp Genetics (formerly Invitae), Labcorp
Classification: Uncertain significance for DICER1-related tumor predisposition. Last evaluated: 2026-01-11. Review status: criteria provided, single submitter. Criteria: Invitae Variant Classification Sherloc (09022015). Collection method: clinical testing. Allele origin: germline.
Comment: This sequence change replaces proline, which is neutral and non-polar, with serine, which is neutral and polar, at codon 737 of the DICER1 protein (p.Pro737Ser). This variant is present in population databases (rs778284198, gnomAD 0.002%). This variant has not been reported in the literature in individuals affected with DICER1-related conditions. ClinVar contains an entry for this variant (Variation ID: 568930). Invitae Evidence Modeling of protein sequence and biophysical properties (such as structural, functional, and spatial information, amino acid conservation, physicochemical variation, residue mobility, and thermodynamic stability) indicates that this missense variant is not expected to disrupt DICER1 protein function with a negative predictive value of 95%. In summary, the available evidence is currently insufficient to determine the role of this variant in disease. Therefore, it has been classified as a Variant of Uncertain Significance.

Ambry Genetics
Classification: Uncertain significance for Hereditary cancer-predisposing syndrome. Last evaluated: 2024-10-17. Review status: criteria provided, single submitter. Criteria: Ambry Variant Classification Scheme 2023. Collection method: clinical testing. Allele origin: germline.
Comment: The p.P737S variant (also known as c.2209C>T), located in coding exon 13 of the DICER1 gene, results from a C to T substitution at nucleotide position 2209. The proline at codon 737 is replaced by serine, an amino acid with similar properties. This amino acid position is conserved. In addition, this alteration is predicted to be tolerated by in silico analysis. Since supporting evidence is limited at this time, the clinical significance of this alteration remains unclear.

GeneDx
Classification: Uncertain significance. Last evaluated: 2024-08-14. Review status: criteria provided, single submitter. Criteria: GeneDx Variant Classification Process June 2021. Collection method: clinical testing. Allele origin: germline. Affected: yes.
Comment: Not observed at significant frequency in large population cohorts (gnomAD); In silico analysis indicates that this missense variant does not alter protein structure/function; Has not been previously published as pathogenic or benign to our knowledge

Baylor Genetics
Classification: Uncertain significance for Global developmental delay - lung cysts - overgrowth - Wilms tumor syndrome. Last evaluated: 2023-11-02. Review status: criteria provided, single submitter. Criteria: ACMG Guidelines, 2015. Collection method: clinical testing. Allele origin: unknown.